The following is an entry in ClinVar:

NM_032603.5(LOXL3):c.1967A>C (p.Asn656Thr)

Gene: LOXL3 (lysyl oxidase like 3; minus strand). Cytogenetic location: 2p13.1.
Variant type: single nucleotide variant.
Coding change: c.1967A>C on transcript NM_032603.5 (MANE Select); coding-DNA position 1967, A replaced by C.
Protein change: p.Asn656Thr; replaces asparagine 656 with threonine.
Molecular consequence: missense variant.
Genome position (GRCh38, 1-based): chr2:74,534,209, T>G on the plus strand (A>C on the coding strand, the complement: LOXL3 is on the minus strand). VCF-style: chr2-74534209-T-G. GRCh37 (hg19) VCF-style: chr2-74761336-T-G.
Other names: c.1532A>C, p.Asn511Thr (NM_001289164.3); c.884A>C, p.Asn295Thr (NM_001289165.2); short protein forms N511T, N656T, N295T.
Identifiers: ClinVar variation 1366579 (VCV001366579.8), dbSNP rs2104388381, ClinGen allele CA347384486.
Genomic context (GRCh38, chr2:74,534,209, plus strand): 5'-CAGTCAATGTCATGCCGGTAGAGATCCCAGCAACCCACAGTGATGCCTTGCTCTCCAAAG[T>G]TGGCACACTCATACCGCTTGGAGACATCTGGAGGGATTGGCATATGTCAGTGTAAGGAAA-3'
Protein context (NP_115992.1, residues 646-666): EDVSKRYECA[Asn656Thr]FGEQGITVGC

ClinVar aggregate classification (germline): Uncertain significance (1 of 4 stars; one submission).

Submission:

Labcorp Genetics (formerly Invitae), Labcorp
Classification: Uncertain significance. Last evaluated: 2021-07-09. Review status: criteria provided, single submitter. Criteria: Invitae Variant Classification Sherloc (09022015). Collection method: clinical testing. Allele origin: germline.
Comment: This variant is not present in population databases (ExAC no frequency). This sequence change replaces asparagine with threonine at codon 656 of the LOXL3 protein (p.Asn656Thr). The asparagine residue is highly conserved and there is a small physicochemical difference between asparagine and threonine. This variant has not been reported in the literature in individuals affected with LOXL3-related conditions. In summary, the available evidence is currently insufficient to determine the role of this variant in disease. Therefore, it has been classified as a Variant of Uncertain Significance. Algorithms developed to predict the effect of missense changes on protein structure and function are either unavailable or do not agree on the potential impact of this missense change (SIFT: "Deleterious"; PolyPhen-2: "Probably Damaging"; Align-GVGD: "Class C0").